The following is an entry in ClinVar:

NM_001375567.1(FOCAD):c.4839A>T (p.Lys1613Asn)

Gene: FOCAD (focadhesin; plus strand). Cytogenetic location: 9p21.3.
Variant type: single nucleotide variant.
Coding change: c.4839A>T on transcript NM_001375567.1 (MANE Select); coding-DNA position 4839, A replaced by T.
Protein change: p.Lys1613Asn; replaces lysine 1613 with asparagine.
Molecular consequence: missense variant.
Genome position (GRCh38, 1-based): chr9:20,986,398, A>T. VCF-style: chr9-20986398-A-T. GRCh37 (hg19) VCF-style: chr9-20986397-A-T.
Other names: c.4734A>T, p.Lys1578Asn (NM_001375568.1, NM_001375570.1); c.4839A>T, p.Lys1613Asn (NM_017794.5); c.4839A>T (NM_017794.3); short protein forms K1613N, K1578N.
Identifiers: ClinVar variation 3647621 (VCV003647621.3).
Genomic context (GRCh38, chr9:20,986,398, plus strand): 5'-ACGATTCCCCTTGGTGAACCTGACCGATATGCTGAGCGTTGCTGTGCAGCACCGTGAGAA[A>T]GAGGTGTTGGCCTGGATGATTCTGCACAGCTTATACCAGGCACGGATTGTGAGCCATGCC-3'
Protein context (NP_001362496.1, residues 1603-1623): MLSVAVQHRE[Lys1613Asn]EVLAWMILHS

ClinVar aggregate classification (germline): Uncertain significance. Review status: criteria provided, multiple submitters, no conflicts (2 of 4 stars). 2 submissions from 2 submitters: Uncertain significance (2). Last evaluated 2025-08-22.

Conditions:
Inborn genetic diseases. Identifiers: MedGen C0950123, MeSH D030342.

gnomAD v4.1: 4 of 1,612,674 alleles (0.00025%); highest among the groups gnomAD compares: African/African-American, 0.0054%; no homozygotes.

Submissions (2):

Ambry Genetics
Classification: Uncertain significance for Inborn genetic diseases. Last evaluated: 2025-08-22. Review status: criteria provided, single submitter. Criteria: Ambry Variant Classification Scheme 2023. Collection method: clinical testing. Allele origin: germline.

Labcorp Genetics (formerly Invitae), Labcorp
Classification: Uncertain significance. Last evaluated: 2024-11-30. Review status: criteria provided, single submitter. Criteria: Invitae Variant Classification Sherloc (09022015). Collection method: clinical testing. Allele origin: germline.
Comment: This sequence change replaces lysine, which is basic and polar, with asparagine, which is neutral and polar, at codon 1613 of the FOCAD protein (p.Lys1613Asn). This variant is present in population databases (rs766396091, gnomAD 0.02%). This variant has not been reported in the literature in individuals affected with FOCAD-related conditions. Experimental studies and prediction algorithms are not available or were not evaluated, and the functional significance of this variant is currently unknown. In summary, the available evidence is currently insufficient to determine the role of this variant in disease. Therefore, it has been classified as a Variant of Uncertain Significance.